The following is an entry in ClinVar:

ClinVar aggregate classification (germline): Pathogenic (1 of 4 stars; one submission).

Conditions:
SIN3A-related intellectual disability syndrome due to a point mutation. Also called: 15q24 Microdeletion Syndrome; WITTEVEEN-KOLK SYNDROME. Identifiers: Orphanet 500166, Orphanet 94065, MedGen C4310804, MONDO:0044700, OMIM 613406.

Submission:

Institute of Human Genetics, University of Leipzig Medical Center
Classification: Pathogenic for SIN3A-related intellectual disability syndrome due to a point mutation. Last evaluated: 2025-03-19. Review status: criteria provided, single submitter. Criteria: ACMG Guidelines, 2015. Collection method: clinical testing. Allele origin: unknown. Inheritance: Autosomal dominant inheritance. Affected: yes.
Comment: Criteria applied: PVS1,PM2

NM_001145358.2(SIN3A):c.2669dup (p.Asn890fs)

Gene: SIN3A (SIN3 transcription regulator family member A; minus strand). Cytogenetic location: 15q24.2.
Variant type: Duplication.
Coding change: c.2669dup on transcript NM_001145358.2 (MANE Select); coding-DNA position 2669, one base duplicated (A; older notation c.2669dupA).
Protein change: p.Asn890fs; shifts the reading frame from asparagine 890.
Molecular consequence: frameshift variant.
Genome position (GRCh38, 1-based): chr15:75,392,424, T duplicated on the plus strand (A on the coding strand, the reverse complement: SIN3A is on the minus strand); the first of 2 consecutive T bases (chr15:75,392,424-75,392,425); duplicating either gives the same sequence. VCF-style (leftmost placement, unchanged base first): chr15-75392423-G-GT. GRCh37 (hg19) VCF-style: chr15-75684764-G-GT.
Other names: c.2669dup, p.Asn890fs (NM_001145357.2, NM_015477.3); short protein forms N890fs.
Identifiers: ClinVar variation 3778748 (VCV003778748.1).